The following is an entry in ClinVar:

NM_025233.7(COASY):c.805C>T (p.Leu269=)

Gene: COASY (Coenzyme A synthase; plus strand). Cytogenetic location: 17q21.2.
Variant type: single nucleotide variant.
Coding change: c.805C>T on transcript NM_025233.7 (MANE Select); coding-DNA position 805, C replaced by T.
Protein change: p.Leu269=; no amino-acid change (leucine 269 retained).
Molecular consequence: synonymous variant.
Genome position (GRCh38, 1-based): chr17:42,564,065, C>T. VCF-style: chr17-42564065-C-T. GRCh37 (hg19) VCF-style: chr17-40716083-C-T.
Other names: c.805C>T, p.Leu269= (NM_001042529.3); c.892C>T, p.Leu298= (NM_001042532.4).
Identifiers: ClinVar variation 513281 (VCV000513281.1), dbSNP rs1555624916, ClinGen allele CA500219844.

ClinVar aggregate classification (germline): Likely benign (1 of 4 stars; one submission).

Allele frequency attached by ClinVar (database versions not stated): gnomAD exomes below 0.00001.
gnomAD v4.1: 1 of 1,614,150 alleles (0.000062%); highest among the groups gnomAD compares: South Asian, 0.0011%; no homozygotes.

Submission:

GeneDx
Classification: Likely benign. Last evaluated: 2017-11-22. Review status: criteria provided, single submitter. Criteria: GeneDx Variant Classification (06012015). Collection method: clinical testing. Allele origin: germline. Affected: yes.
Comment: This variant is considered likely benign or benign based on one or more of the following criteria: it is a conservative change, it occurs at a poorly conserved position in the protein, it is predicted to be benign by multiple in silico algorithms, and/or has population frequency not consistent with disease.